The following is an entry in ClinVar:

NM_030662.4(MAP2K2):c.1001C>G (p.Pro334Arg)

Gene: MAP2K2 (mitogen-activated protein kinase kinase 2; minus strand). Cytogenetic location: 19p13.3.
Variant type: single nucleotide variant.
Coding change: c.1001C>G on transcript NM_030662.4 (MANE Select); coding-DNA position 1001, C replaced by G.
Protein change: p.Pro334Arg; replaces proline 334 with arginine.
Molecular consequence: missense variant.
Genome position (GRCh38, 1-based): chr19:4,095,433, G>C on the plus strand (C>G on the coding strand, the complement: MAP2K2 is on the minus strand). VCF-style: chr19-4095433-G-C. GRCh37 (hg19) VCF-style: chr19-4095431-G-C.
Other names: short protein forms P334R.
Identifiers: ClinVar variation 3364423 (VCV003364423.1).

ClinVar aggregate classification (germline): Uncertain significance (1 of 4 stars; one submission).

Submission:

GeneDx
Classification: Uncertain significance. Last evaluated: 2023-11-13. Review status: criteria provided, single submitter. Criteria: GeneDx Variant Classification Process June 2021. Collection method: clinical testing. Allele origin: germline. Affected: yes.
Comment: Not observed at significant frequency in large population cohorts (gnomAD); Missense variants in this gene are a common cause of disease and they are underrepresented in the general population; In silico analysis supports that this missense variant has a deleterious effect on protein structure/function; Has not been previously published as pathogenic or benign to our knowledge